The following is an entry in ClinVar:

NM_001349798.2(FBXW7):c.403G>A (p.Asp135Asn)

Gene: FBXW7 (F-box and WD repeat domain containing 7; minus strand). Cytogenetic location: 4q31.3.
Variant type: single nucleotide variant.
Coding change: c.403G>A on transcript NM_001349798.2 (MANE Select); coding-DNA position 403, G replaced by A.
Protein change: p.Asp135Asn; replaces aspartic acid 135 with asparagine.
Molecular consequence: missense variant.
Genome position (GRCh38, 1-based): chr4:152,411,401, C>T on the plus strand (G>A on the coding strand, the complement: FBXW7 is on the minus strand). VCF-style: chr4-152411401-C-T. GRCh37 (hg19) VCF-style: chr4-153332553-C-T.
Other names: c.403G>A, p.Asp135Asn (NM_001257069.1, NM_033632.3); short protein forms D135N.
Identifiers: ClinVar variation 4799785 (VCV004799785.1).

ClinVar aggregate classification (germline): Uncertain significance (1 of 4 stars; one submission).

Submission:

Labcorp Genetics (formerly Invitae), Labcorp
Classification: Uncertain significance. Last evaluated: 2025-05-04. Review status: criteria provided, single submitter. Criteria: Invitae Variant Classification Sherloc (09022015). Collection method: clinical testing. Allele origin: germline.
Comment: This sequence change replaces aspartic acid, which is acidic and polar, with asparagine, which is neutral and polar, at codon 135 of the FBXW7 protein (p.Asp135Asn). This variant is not present in population databases (gnomAD no frequency). This variant has not been reported in the literature in individuals affected with FBXW7-related conditions. Experimental studies and prediction algorithms are not available or were not evaluated, and the functional significance of this variant is currently unknown. In summary, the available evidence is currently insufficient to determine the role of this variant in disease. Therefore, it has been classified as a Variant of Uncertain Significance.